The following is an entry in ClinVar:

NM_024006.6(VKORC1):c.196G>A (p.Val66Met)

Gene: VKORC1 (vitamin K epoxide reductase complex subunit 1; minus strand). Cytogenetic location: 16p11.2.
Variant type: single nucleotide variant.
Coding change: c.196G>A on transcript NM_024006.6 (MANE Select); coding-DNA position 196, G replaced by A.
Protein change: p.Val66Met; replaces valine 66 with methionine.
Molecular consequence: missense variant. On other transcripts: intron variant (1).
Genome position (GRCh38, 1-based): chr16:31,093,399, C>T on the plus strand (G>A on the coding strand, the complement: VKORC1 is on the minus strand). VCF-style: chr16-31093399-C-T. GRCh37 (hg19) VCF-style: chr16-31104720-C-T.
Other names: c.196G>A, p.Val66Met (NM_001311311.2); c.173+1158G>A (NM_206824.3); short protein forms V66M.
Identifiers: ClinVar variation 692018 (VCV000692018.6), dbSNP rs72547529, ClinGen allele CA8021197.

ClinVar aggregate classification (germline): Conflicting classifications of pathogenicity. Review status: criteria provided, conflicting classifications (1 of 4 stars). 3 submissions from 3 submitters: Pathogenic (1); Uncertain significance (1); Benign (1). Last evaluated 2026-04-14.

Conditions:
Warfarin response. Also called: Warfarin sensitivity; COUMARIN SENSITIVITY; COUMARIN, POOR METABOLISM OF; WARFARIN RESISTANCE; Coumarin resistance; Coumadin response. Identifiers: MedGen C0750384, MONDO:0007390, OMIM 122700.
VKORC1-related disorder. Also called: VKORC1-related condition.
Vitamin K-dependent clotting factors, combined deficiency of, type 2. Identifiers: Orphanet 98434, MedGen C1843832, MONDO:0011837, OMIM 607473.

Allele frequency attached by ClinVar (database versions not stated): gnomAD exomes 0.00020; ExAC 0.00026; ESP Exome Variant Server 0.00077; gnomAD 0.00082 and 0.00086; TOPMed 0.00090; 1000 Genomes Project 30x 0.00156; 1000 Genomes Project 0.00200.
gnomAD v4.1: 243 of 1,614,158 alleles (0.015%); highest among the groups gnomAD compares: African/African-American, 0.28%; no homozygotes.

Submissions (3):

PreventionGenetics, part of Exact Sciences
Classification: Uncertain significance for VKORC1-related condition. Last evaluated: 2026-04-14. Review status: criteria provided, single submitter. Criteria: ACMG Guidelines, 2015. Collection method: clinical testing. Allele origin: germline.
Comment: The VKORC1 c.196G>A variant is predicted to result in the amino acid substitution p.Val66Met. To our knowledge this variant has not been reported in the context of autosomal recessive combined deficiency of vitamin K-dependent clotting factors. This variant is reported in 0.25% of alleles in individuals of African descent in gnomAD, which is more frequent than other known pathogenic variants in VKORC1. Although we suspect that this variant may be benign, at this time, the clinical significance of this variant is uncertain due to the absence of conclusive functional and genetic evidence.

Rady Children's Institute for Genomic Medicine, Rady Children's Hospital San Diego
Classification: Pathogenic for Warfarin response. Last evaluated: 2018-04-12. Review status: criteria provided, single submitter. Criteria: ACMG Guidelines, 2015. Collection method: clinical testing. Allele origin: germline. Affected: yes. Observed: 1 variant allele.
Comment: This variant has been previously reported in the literature in patients with warfarin resistance (PMID: 15630486). Functional studies demonstrate almost complete loss of activity for the p.Val66Met variant relative to wild type (PMID: 23039877). There are 70 reports of the variant as a heterozygous change in the population database, gnomAD, thus the variant is rare. The p.Val66Met residue is highly conserved among vertebrates, and the methionine substitution is predicted to be damaging by in silico models. Based on the combined evidence, the variant is classified as pathogenic.

Illumina Laboratory Services, Illumina
Classification: Benign for Vitamin K-dependent clotting factors, combined deficiency of, type 2. Last evaluated: 2017-04-27. Review status: criteria provided, single submitter. Criteria: ICSL Variant Classification Criteria 13 December 2019. Collection method: clinical testing. Allele origin: germline.
Comment: This variant was observed as part of a predisposition screen in an ostensibly healthy population. A literature search was performed for the gene, cDNA change, and amino acid change (where applicable). No publications were found based on this search. Allele frequency data from public databases was too high to be consistent with this variant causing disease. Therefore, this variant is classified as benign.